The following is an entry in ClinVar:

NM_173630.4(RTTN):c.4582A>C (p.Lys1528Gln)

Gene: RTTN (rotatin; minus strand). Cytogenetic location: 18q22.2.
Variant type: single nucleotide variant.
Coding change: c.4582A>C on transcript NM_173630.4 (MANE Select); coding-DNA position 4582, A replaced by C.
Protein change: p.Lys1528Gln; replaces lysine 1528 with glutamine.
Molecular consequence: missense variant.
Genome position (GRCh38, 1-based): chr18:70,073,977, T>G on the plus strand (A>C on the coding strand, the complement: RTTN is on the minus strand). VCF-style: chr18-70073977-T-G. GRCh37 (hg19) VCF-style: chr18-67741213-T-G.
Other names: c.1846A>C, p.Lys616Gln (NM_001318520.2); short protein forms K1528Q, K616Q.
Identifiers: ClinVar variation 1957566 (VCV001957566.5), dbSNP rs747812556, ClinGen allele CA8995202.

ClinVar aggregate classification (germline): Uncertain significance (1 of 4 stars; one submission).

Allele frequency attached by ClinVar (database versions not stated): gnomAD exomes below 0.00001; ExAC 0.00001.
gnomAD v4.1: 2 of 1,611,104 alleles (0.00012%); highest among the groups gnomAD compares: Admixed American, 0.0033%; no homozygotes.

Submission:

Labcorp Genetics (formerly Invitae), Labcorp
Classification: Uncertain significance. Last evaluated: 2022-04-28. Review status: criteria provided, single submitter. Criteria: Invitae Variant Classification Sherloc (09022015). Collection method: clinical testing. Allele origin: germline.
Comment: This sequence change replaces lysine, which is basic and polar, with glutamine, which is neutral and polar, at codon 1528 of the RTTN protein (p.Lys1528Gln). In summary, the available evidence is currently insufficient to determine the role of this variant in disease. Therefore, it has been classified as a Variant of Uncertain Significance. Algorithms developed to predict the effect of missense changes on protein structure and function (SIFT, PolyPhen-2, Align-GVGD) all suggest that this variant is likely to be tolerated. This variant has not been reported in the literature in individuals affected with RTTN-related conditions. This variant is present in population databases (rs747812556, gnomAD 0.006%).